The following is an entry in ClinVar:

NM_001329943.3(KIAA0586):c.3490C>T (p.Pro1164Ser)

Gene: KIAA0586 (KIAA0586; plus strand). Cytogenetic location: 14q23.1.
Variant type: single nucleotide variant.
Coding change: c.3490C>T on transcript NM_001329943.3 (MANE Select); coding-DNA position 3490, C replaced by T.
Protein change: p.Pro1164Ser; replaces proline 1164 with serine.
Molecular consequence: missense variant.
Genome position (GRCh38, 1-based): chr14:58,488,072, C>T. VCF-style: chr14-58488072-C-T. GRCh37 (hg19) VCF-style: chr14-58954790-C-T.
Other names: c.3649C>T (NM_001244189.1); c.3649C>T, p.Pro1217Ser (NM_001244189.2); c.3445C>T, p.Pro1149Ser (NM_001244190.2); c.3235C>T, p.Pro1079Ser (NM_001244191.2, NM_001329945.2, NM_001364700.1 and 1 more transcripts); c.3358C>T, p.Pro1120Ser (NM_001244192.2); c.3070C>T, p.Pro1024Ser (NM_001244193.2); c.3490C>T, p.Pro1164Ser (NM_001329944.2, NM_001329946.2, NM_001329947.2); c.3262C>T, p.Pro1088Ser (NM_014749.5); short protein forms P1079S, P1217S, P1024S, P1120S, P1088S, P1149S, P1164S.
Identifiers: ClinVar variation 2046696 (VCV002046696.3), dbSNP rs1278071635, ClinGen allele CA389882184.
Genomic context (GRCh38, chr14:58,488,072, plus strand): 5'-TCAAGCCCAGAGCTTCCCAAGCCATGGGGTGATGGAGACCTGCCACTGGAAGAAGAGAAC[C>T]CTAACTCACCTCAAGAAGAACTTCATCCAAGAGCTATGTAAATGAGAACATACTCACTAG-3'
Protein context (NP_001316872.1, residues 1154-1174): DGDLPLEEEN[Pro1164Ser]NSPQEELHPR

ClinVar aggregate classification (germline): Uncertain significance. Review status: criteria provided, multiple submitters, no conflicts (2 of 4 stars). 2 submissions from 2 submitters: Uncertain significance (2). Last evaluated 2025-11-20.

Conditions:
KIAA0586-related disorder. Also called: KIAA0586-related condition; KIAA0586- Related disorders.
Short-rib thoracic dysplasia 14 with polydactyly (SRTD14). Identifiers: Orphanet 397715, MedGen C4225286, MONDO:0014688, OMIM 616546.
Joubert syndrome 23 (JBTS23). Identifiers: Orphanet 475, MedGen C4084822, MONDO:0014664, OMIM 616490.

Allele frequency attached by ClinVar (database versions not stated): TOPMed 0.00002.
gnomAD v4.1: 5 of 1,607,594 alleles (0.00031%); highest among the groups gnomAD compares: Admixed American, 0.0085%; no homozygotes.

Submissions (2):

PreventionGenetics, part of Exact Sciences
Classification: Uncertain significance for KIAA0586-related condition. Last evaluated: 2025-11-20. Review status: criteria provided, single submitter. Criteria: ACMG Guidelines, 2015. Collection method: clinical testing. Allele origin: germline.
Comment: The KIAA0586 c.3649C>T variant is predicted to result in the amino acid substitution p.Pro1217Ser. To our knowledge, this variant has not been reported in the literature. This variant is reported in 0.012% of alleles in individuals of Latino descent in gnomAD. At this time, the clinical significance of this variant is uncertain due to the absence of conclusive functional and genetic evidence.

Labcorp Genetics (formerly Invitae), Labcorp
Classification: Uncertain significance for Joubert syndrome 23; Short-rib thoracic dysplasia 14 with polydactyly. Last evaluated: 2022-05-13. Review status: criteria provided, single submitter. Criteria: Invitae Variant Classification Sherloc (09022015). Collection method: clinical testing. Allele origin: germline.
Comment: In summary, the available evidence is currently insufficient to determine the role of this variant in disease. Therefore, it has been classified as a Variant of Uncertain Significance. Algorithms developed to predict the effect of missense changes on protein structure and function are either unavailable or do not agree on the potential impact of this missense change (SIFT: "Deleterious"; PolyPhen-2: "Probably Damaging"; Align-GVGD: "Class C0"). This variant has not been reported in the literature in individuals affected with KIAA0586-related conditions. This variant is present in population databases (no rsID available, gnomAD 0.01%). This sequence change replaces proline, which is neutral and non-polar, with serine, which is neutral and polar, at codon 1217 of the KIAA0586 protein (p.Pro1217Ser).